The following is an entry in ClinVar:

NM_020822.3(KCNT1):c.2782C>T (p.Arg928Cys)

Gene: KCNT1 (potassium sodium-activated channel subfamily T member 1; plus strand). Cytogenetic location: 9q34.3.
Variant type: single nucleotide variant.
Coding change: c.2782C>T on transcript NM_020822.3 (MANE Select); coding-DNA position 2782, C replaced by T.
Protein change: p.Arg928Cys; replaces arginine 928 with cysteine.
Molecular consequence: missense variant.
Genome position (GRCh38, 1-based): chr9:135,779,411, C>T. VCF-style: chr9-135779411-C-T. GRCh37 (hg19) VCF-style: chr9-138671257-C-T.
Other names: c.2647C>T, p.Arg883Cys (NM_001272003.2); short protein forms R928C, R883C.
Identifiers: ClinVar variation 39597 (VCV000039597.69), dbSNP rs397515405, ClinGen allele CA343800.

ClinVar aggregate classification (germline): Pathogenic. Review status: criteria provided, multiple submitters, no conflicts (2 of 4 stars). 17 submissions from 15 submitters: Pathogenic (12). 5 of the submissions do not count toward it. Last evaluated 2025-12-21.

Conditions:
KCNT1-related disorder. Also called: KCNT1-related condition.
Autosomal dominant nocturnal frontal lobe epilepsy 5. Also called: KCNT1-Related Epilepsy; Epilepsy, nocturnal frontal lobe, 5; CILIARY DYSKINESIA, PRIMARY, 28, WITHOUT SITUS INVERSUS; CILIARY DYSKINESIA, PRIMARY, 28, WITH SITUS INVERSUS. Identifiers: Orphanet 98784, MedGen C3554306, MONDO:0014002, OMIM 615005.
Developmental and epileptic encephalopathy, 14 (DEE14). Also called: Early infantile epileptic encephalopathy 14. Identifiers: Orphanet 293181, MedGen C3554195, MONDO:0013989, OMIM 614959.
Seizure. Also called: Seizures. Identifiers: MedGen C0036572, HP:0001250.

Allele frequency attached by ClinVar (database versions not stated): ExAC 0.00002; gnomAD exomes below 0.00001 and 0.00001.
gnomAD v4.1: 2 of 1,613,948 alleles (0.00012%); highest among the groups gnomAD compares: Non-Finnish European, 0.000085%; no homozygotes.

Submissions (17):

Labcorp Genetics (formerly Invitae), Labcorp
Classification: Pathogenic for Autosomal dominant nocturnal frontal lobe epilepsy 5; Developmental and epileptic encephalopathy, 14. Last evaluated: 2025-12-21. Review status: criteria provided, single submitter. Criteria: Invitae Variant Classification Sherloc (09022015). Collection method: clinical testing. Allele origin: germline.
Comment: This sequence change replaces arginine, which is basic and polar, with cysteine, which is neutral and slightly polar, at codon 928 of the KCNT1 protein (p.Arg928Cys). This variant is present in population databases (rs397515405, gnomAD 0.006%). This missense change has been observed in individual(s) with autosomal dominant nocturnal frontal lobe epilepsy (PMID: 23086396, 26122718). It has also been observed to segregate with disease in related individuals. ClinVar contains an entry for this variant (Variation ID: 39597). Invitae Evidence Modeling of protein sequence and biophysical properties (such as structural, functional, and spatial information, amino acid conservation, physicochemical variation, residue mobility, and thermodynamic stability) has been performed for this missense variant. However, the output from this modeling did not meet the statistical confidence thresholds required to predict the impact of this variant on KCNT1 protein function. Experimental studies have shown that this missense change affects KCNT1 function (PMID: 24591078, 25482562). For these reasons, this variant has been classified as Pathogenic.

Centre for Clinical Genetics and Genomic Diagnostics, Zealand University Hospital
Classification: Pathogenic. Last evaluated: 2024-07-30. Review status: criteria provided, single submitter. Criteria: ACMG Guidelines, 2015. Collection method: clinical testing. Allele origin: inherited. Affected: no.

Cytogénomique, Hospices Civils de Lyon
Classification: Pathogenic for Seizures. Last evaluated: 2024-06-19. Review status: criteria provided, single submitter. Criteria: ACMG Guidelines, 2015. Collection method: clinical testing. Allele origin: unknown. Affected: yes. Observed: 1 variant allele, 1 heterozygote.

Institute of Human Genetics, University of Leipzig Medical Center
Classification: Pathogenic for Developmental and epileptic encephalopathy, 14. Last evaluated: 2024-06-14. Review status: criteria provided, single submitter. Criteria: ACMG Guidelines, 2015. Collection method: clinical testing. Allele origin: unknown. Affected: yes.
Comment: Criteria applied: PS3,PS4,PS2_SUP,PP3

Blueprint Genetics
Classification: Pathogenic for KCNT1-related disorders. Last evaluated: 2022-12-21. Review status: criteria provided, single submitter. Criteria: ACMG Guidelines, 2015. Collection method: clinical testing. Allele origin: de novo. Affected: yes. Observed: 3 variant alleles.

Institute of Human Genetics, University of Leipzig Medical Center
Classification: Pathogenic for Autosomal dominant nocturnal frontal lobe epilepsy 5. Last evaluated: 2022-06-15. Review status: criteria provided, single submitter. Criteria: ACMG Guidelines, 2015. Collection method: clinical testing. Allele origin: unknown. Affected: yes.
Comment: _x000D_ Criteria applied: PS3, PS4, PP3, PP4

GeneDx
Classification: Pathogenic. Last evaluated: 2022-05-31. Review status: criteria provided, single submitter. Criteria: GeneDx Variant Classification Process June 2021. Collection method: clinical testing. Allele origin: germline. Affected: yes.
Comment: Functional studies indicate that the R928C variant results in a gain of function in KCNT1 channel properties (Evely et al., 2017; Milligan et al., 2014); In silico analysis supports that this missense variant has a deleterious effect on protein structure/function; This variant is associated with the following publications: (PMID: 25568878, 24395520, 26740507, 24591078, 25482562, 29037447, 26140313, 26122718, 28488083, 29196578, 27029629, 20301348, 28761347, 31208268, 30804880, 30112700, Cole2021[functionalstudy], Khamdiyeva2021[casereport], 28366665, 23086396)

Mendelics
Classification: Pathogenic for Developmental and epileptic encephalopathy, 14. Last evaluated: 2022-05-04. Review status: criteria provided, single submitter. Criteria: Mendelics Assertion Criteria 2019. Collection method: clinical testing. Allele origin: germline.

Victorian Clinical Genetics Services, Murdoch Childrens Research Institute
Classification: Pathogenic for Developmental and epileptic encephalopathy, 14. Last evaluated: 2021-05-06. Review status: criteria provided, single submitter. Criteria: ACMG Guidelines, 2015. Collection method: clinical testing. Allele origin: germline. Inheritance: Autosomal dominant inheritance. Affected: yes.
Comment: Based on the classification scheme VCGS_Germline_v1.3.4, this variant is classified as Pathogenic. Following criteria are met: 0101 - Gain of function is a known mechanism of disease in this gene and is associated with nocturnal frontal lobe epilepsy 5 (MIM#615005) and early infantile epileptic encephalopathy 14, (MIM#614959) (PMID: 24591078). Both phenotypes have been shown to be caused by the same variant within the same family (GeneReview). (I) 0107 - This gene is associated with autosomal dominant disease. (I) 0115 - Variants in this gene are known to have variable expressivity (PMID: 26122718). (I) 0200 - Variant is predicted to result in a missense amino acid change from arginine to cysteine. (I) 0251 - This variant is heterozygous. (I) 0302 - Variant is present in gnomAD (v2) <0.001 for a dominant condition (2 heterozygotes, 0 homozygotes). (SP) 0309 - An alternative amino acid change at the same position has been observed in gnomAD (v3) (1 heterozygote, 0 homozygotes). (I) 0501 - Missense variant consistently predicted to be damaging by multiple in silico tools or highly conserved with a major amino acid change. (SP) 0604 - Variant is not located in an established domain, motif, hotspot or informative constraint region. (I) 0705 - No comparable missense variants have previous evidence for pathogenicity. (I) 0801 - This variant has strong previous evidence of pathogenicity in unrelated individuals. This variant has been reported in multiple individuals with nocturnal frontal lobe epilepsy (ClinVar, PMID: 23086396, 26122718). (SP) 0901 - This variant has strong evidence for segregation with disease. This variant has been shown to segregate with nocturnal frontal lobe epilepsy in one family (PMID: 23086396). (SP) 1002 - This variant has moderate functional evidence supporting abnormal protein function. Functional studies using patch clamp analysis showed that mutant protein causes an increased current amplitude and modulated channel activation and deactivation kinetics. However, patch clamp assays have been shown to be unreliable, therefore results from these studies are used with caution during variant classification (PMID: 24591078). (I) 1208 - Inheritance information for this variant is not currently available in this individual. (I) Legend: (SP) - Supporting pathogenic, (I) - Information, (SB) - Supporting benign

Mayo Clinic Laboratories, Mayo Clinic
Classification: Pathogenic. Last evaluated: 2020-11-24. Review status: criteria provided, single submitter. Criteria: ACMG Guidelines, 2015. Collection method: clinical testing. Allele origin: germline. Observed: 1 variant allele.
Comment: PS3, PS4_moderate, PM2, PP1, PP3, PP4

Baylor Genetics
Classification: Pathogenic for Autosomal dominant nocturnal frontal lobe epilepsy 5. Last evaluated: 2020-07-07. Review status: criteria provided, single submitter. Criteria: ACMG Guidelines, 2015. Collection method: clinical testing. Allele origin: de novo. Affected: yes.
Comment: This variant was determined to be pathogenic according to ACMG Guidelines, 2015 [PMID:25741868].

CeGaT Center for Human Genetics Tuebingen
Classification: Pathogenic. Last evaluated: 2018-11-01. Review status: criteria provided, single submitter. Criteria: CeGaT Center For Human Genetics Tuebingen Variant Classification Criteria Version 2. Collection method: clinical testing. Allele origin: germline. Affected: yes. Observed: 1 variant allele.

OMIM
Classification: Pathogenic for EPILEPSY, NOCTURNAL FRONTAL LOBE, 5. Last evaluated: 2012-11-01. Review status: no assertion criteria provided. Collection method: literature only. Allele origin: germline. Not counted in ClinVar's aggregate classification.

Cytogénomique, Hospices Civils de Lyon
Classification: Pathogenic for Autosomal dominant nocturnal frontal lobe epilepsy 5. Review status: no assertion criteria provided. Collection method: clinical testing. Allele origin: unknown. Inheritance: Autosomal dominant inheritance. Affected: yes. Not counted in ClinVar's aggregate classification.

GeneReviews
No classification provided. Condition: Autosomal dominant nocturnal frontal lobe epilepsy 5. Review status: no classification provided. Collection method: literature only. Allele origin: germline. Not counted in ClinVar's aggregate classification.

Genome Diagnostics Laboratory, University Medical Center Utrecht
Classification: Pathogenic. Review status: no assertion criteria provided. Collection method: clinical testing. Allele origin: germline. Affected: yes. Study: VKGL Data-share Consensus. Not counted in ClinVar's aggregate classification.

Joint Genome Diagnostic Labs from Nijmegen and Maastricht, Radboudumc and MUMC+
Classification: Pathogenic. Review status: no assertion criteria provided. Collection method: clinical testing. Allele origin: germline. Affected: yes. Study: VKGL Data-share Consensus. Not counted in ClinVar's aggregate classification.

Literature cited by the submitters: PubMed 23086396 (cited by 5 submitters); PubMed 26122718 (cited by 3 submitters); PubMed 24591078 (cited by 3 submitters); PubMed 25482562 (cited by Labcorp Genetics (formerly Invitae), Labcorp and Mayo Clinic Laboratories, Mayo Clinic); PubMed 20301348 (cited by Mayo Clinic Laboratories, Mayo Clinic); PubMed 31208268 (cited by Mayo Clinic Laboratories, Mayo Clinic); PubMed 29196578 (cited by Mayo Clinic Laboratories, Mayo Clinic); PubMed 30804880 (cited by Mayo Clinic Laboratories, Mayo Clinic); PubMed 26740507 (cited by Mayo Clinic Laboratories, Mayo Clinic); PubMed 30112700 (cited by Mayo Clinic Laboratories, Mayo Clinic); PubMed 18479385 (cited by OMIM); NCBI Bookshelf NBK1169 (cited by GeneReviews).